The following is an entry in ClinVar:

NM_005629.4(SLC6A8):c.1718_1720del (p.Pro573del)

Gene: SLC6A8 (solute carrier family 6 member 8; plus strand). Cytogenetic location: Xq28.
Variant type: Deletion.
Coding change: c.1718_1720del on transcript NM_005629.4 (MANE Select); coding-DNA positions 1718 to 1720, 3 bases deleted (CGC; older notation c.1718_1720delCGC).
Protein change: p.Pro573del; deletes proline 573.
Genome position (GRCh38, 1-based): chrX:153,694,840-153,694,842, CGC deleted; deleting any 3 consecutive bases within chrX:153,694,838-153,694,842 gives the same sequence; the c. name uses the placement nearest the transcript's 3' end. VCF-style (leftmost placement, unchanged base first): chrX-153694837-TGCC-T. GRCh37 (hg19) VCF-style: chrX-152960292-TGCC-T.
Other names: c.1688_1690del, p.Pro563del (NM_001142805.2); c.1373_1375del, p.Pro458del (NM_001142806.1); short protein forms P458del, P563del, P573del.
Identifiers: ClinVar variation 3361494 (VCV003361494.1).

ClinVar aggregate classification (germline): Uncertain significance (1 of 4 stars; one submission).

Submission:

GeneDx
Classification: Uncertain significance. Last evaluated: 2023-07-25. Review status: criteria provided, single submitter. Criteria: GeneDx Variant Classification Process June 2021. Collection method: clinical testing. Allele origin: germline. Affected: yes.
Comment: Not observed at significant frequency in large population cohorts (gnomAD); In-frame deletion of 1 amino acid in a non-repeat region; Has not been previously published as pathogenic or benign to our knowledge